The following is an entry in ClinVar:

ClinVar aggregate classification (germline): Uncertain significance. Review status: criteria provided, multiple submitters, no conflicts (2 of 4 stars). 3 submissions from 3 submitters: Uncertain significance (3). Last evaluated 2026-04-21.

Conditions:
SYNE2-related disorder. Also called: SYNE2-related condition.
Emery-Dreifuss muscular dystrophy 5, autosomal dominant (EDMD5). Also called: EMERY-DREIFUSS MUSCULAR DYSTROPHY 5. Identifiers: Orphanet 261, MedGen C2751805, MONDO:0013072, OMIM 612999.

Allele frequency attached by ClinVar (database versions not stated): gnomAD exomes 0.00001; ExAC 0.00002.
gnomAD v4.1: 15 of 1,614,196 alleles (0.00093%); highest among the groups gnomAD compares: Non-Finnish European, 0.0013%; no homozygotes.

Submissions (3):

PreventionGenetics, part of Exact Sciences
Classification: Uncertain significance for SYNE2-related condition. Last evaluated: 2026-04-21. Review status: criteria provided, single submitter. Criteria: ACMG Guidelines, 2015. Collection method: clinical testing. Allele origin: germline.
Comment: The SYNE2 c.19892C>T variant is predicted to result in the amino acid substitution p.Ala6631Val. To our knowledge, this variant has not been reported in the literature. This variant is reported in 0.0018% of alleles in individuals of European (Non-Finnish) descent in gnomAD. At this time, the clinical significance of this variant is uncertain due to the absence of conclusive functional and genetic evidence.

Labcorp Genetics (formerly Invitae), Labcorp
Classification: Uncertain significance for Emery-Dreifuss muscular dystrophy 5, autosomal dominant. Last evaluated: 2025-11-03. Review status: criteria provided, single submitter. Criteria: Invitae Variant Classification Sherloc (09022015). Collection method: clinical testing. Allele origin: germline.
Comment: This sequence change replaces alanine, which is neutral and non-polar, with valine, which is neutral and non-polar, at codon 6631 of the SYNE2 protein (p.Ala6631Val). This variant is present in population databases (rs747881699, gnomAD 0.0009%). This variant has not been reported in the literature in individuals affected with SYNE2-related conditions. ClinVar contains an entry for this variant (Variation ID: 568599). An algorithm developed to predict the effect of missense changes on protein structure and function (PolyPhen-2) suggests that this variant is likely to be disruptive. In summary, the available evidence is currently insufficient to determine the role of this variant in disease. Therefore, it has been classified as a Variant of Uncertain Significance.

Ambry Genetics
Classification: Uncertain significance. Last evaluated: 2022-12-16. Review status: criteria provided, single submitter. Criteria: Ambry Variant Classification Scheme 2023. Collection method: clinical testing. Allele origin: germline.

NM_182914.3(SYNE2):c.19892C>T (p.Ala6631Val)

Gene: SYNE2 (spectrin repeat containing nuclear envelope protein 2; plus strand). Cytogenetic location: 14q23.2.
Variant type: single nucleotide variant.
Coding change: c.19892C>T on transcript NM_182914.3 (MANE Select); coding-DNA position 19892, C replaced by T.
Protein change: p.Ala6631Val; replaces alanine 6631 with valine.
Molecular consequence: missense variant.
Genome position (GRCh38, 1-based): chr14:64,220,468, C>T. VCF-style: chr14-64220468-C-T. GRCh37 (hg19) VCF-style: chr14-64687186-C-T.
Other names: c.19823C>T, p.Ala6608Val (NM_015180.6); c.416C>T, p.Ala139Val (NM_182910.2); c.794C>T, p.Ala265Val (NM_182913.4); short protein forms A6631V, A6608V, A265V, A139V.
Identifiers: ClinVar variation 568599 (VCV000568599.11), dbSNP rs747881699, ClinGen allele CA7224630.